The following is an entry in ClinVar:

NM_001048174.2(MUTYH):c.1076T>C (p.Ile359Thr)

Gene: MUTYH (mutY DNA glycosylase; minus strand). Cytogenetic location: 1p34.1.
Variant type: single nucleotide variant.
Coding change: c.1076T>C on transcript NM_001048174.2 (MANE Select); coding-DNA position 1076, T replaced by C.
Protein change: p.Ile359Thr; replaces isoleucine 359 with threonine.
Molecular consequence: missense variant. On other transcripts: non-coding transcript variant (7).
Genome position (GRCh38, 1-based): chr1:45,331,687, A>G on the plus strand (T>C on the coding strand, the complement: MUTYH is on the minus strand). VCF-style: chr1-45331687-A-G. GRCh37 (hg19) VCF-style: chr1-45797359-A-G.
Other names: c.1076T>C, p.Ile359Thr (NM_001293195.2, NM_001048171.2, NM_001048173.2 and 6 more transcripts); c.1079T>C, p.Ile360Thr (NM_001048172.2, NM_001407078.1, NM_001407086.1 and 1 more transcripts); c.1160T>C, p.Ile387Thr (NM_001128425.2); c.1121T>C, p.Ile374Thr (NM_001293190.2); c.1109T>C, p.Ile370Thr (NM_001293191.2, NM_001407077.1, NM_001407069.1); c.800T>C, p.Ile267Thr (NM_001293192.2, NM_001293196.2, NM_001407091.1); c.1037T>C, p.Ile346Thr (NM_001407079.1); c.1034T>C, p.Ile345Thr (NM_001407080.1); and 5 more; short protein forms I267T, I366T, I374T, I384T, I346T, I359T, I370T, I387T.
Identifiers: ClinVar variation 4113068 (VCV004113068.1).
Genomic context (GRCh38, chr1:45,331,687, plus strand): 5'-ATGCCACTGCCCTCCACGCCCAGTATCCAGGTACCTGAGTTGGGCCTCTGCACCAGCAGA[A>G]TTTGGGCCCCAAGGGCCCCAGGCTGTTCCAGAACACAGGTGGCAGAGCTCTCCTCCCTGG-3'
Protein context (NP_001041639.1, residues 349-369): LEQPGALGAQ[Ile359Thr]LLVQRPNSGL

ClinVar aggregate classification (germline): Uncertain significance (1 of 4 stars; one submission).

Conditions:
Hereditary cancer-predisposing syndrome. Also called: Tumor predisposition; Neoplastic Syndromes, Hereditary; Hereditary neoplastic syndrome; Hereditary Cancer Syndrome. Identifiers: Orphanet 140162, MedGen C0027672, MeSH D009386, MONDO:0015356.

Submission:

Ambry Genetics
Classification: Uncertain significance for Hereditary cancer-predisposing syndrome. Last evaluated: 2025-08-27. Review status: criteria provided, single submitter. Criteria: Ambry Variant Classification Scheme 2023. Collection method: clinical testing. Allele origin: germline.
Comment: The p.I387T variant (also known as c.1160T>C), located in coding exon 12 of the MUTYH gene, results from a T to C substitution at nucleotide position 1160. The isoleucine at codon 387 is replaced by threonine, an amino acid with similar properties. This amino acid position is conserved. In addition, the in silico prediction for this alteration is inconclusive. Based on the available evidence, the clinical significance of this variant remains unclear.